The following is an entry in ClinVar:

ClinVar aggregate classification (germline): Uncertain significance (1 of 4 stars; one submission).

Submission:

GeneDx
Classification: Uncertain significance. Last evaluated: 2025-07-02. Review status: criteria provided, single submitter. Criteria: GeneDx Variant Classification Process June 2021. Collection method: clinical testing. Allele origin: germline. Affected: yes.
Comment: Not observed at significant frequency in large population cohorts (gnomAD); In silico analysis supports that this missense variant has a deleterious effect on protein structure/function; Has not been previously published as pathogenic or benign to our knowledge

NM_006852.6(TLK2):c.1039C>T (p.Pro347Ser)

Gene: TLK2 (tousled like kinase 2; plus strand). Cytogenetic location: 17q23.2.
Variant type: single nucleotide variant.
Coding change: c.1039C>T on transcript NM_006852.6 (MANE Select); coding-DNA position 1039, C replaced by T.
Protein change: p.Pro347Ser; replaces proline 347 with serine.
Molecular consequence: missense variant.
Genome position (GRCh38, 1-based): chr17:62,573,285, C>T. VCF-style: chr17-62573285-C-T. GRCh37 (hg19) VCF-style: chr17-60650646-C-T.
Other names: c.1039C>T, p.Pro347Ser (NM_001284333.3, NM_001375270.1, NM_001375271.1); c.943C>T, p.Pro315Ser (NM_001284363.1, NM_001375272.1, NM_001438203.1 and 1 more transcripts); c.592C>T, p.Pro198Ser (NM_001330418.3, NM_001375273.1); c.1081C>T, p.Pro361Ser (NM_001375269.1); c.754C>T, p.Pro252Ser (NM_001411074.1); c.850C>T, p.Pro284Ser (NM_001438205.1); short protein forms P198S, P252S, P284S, P315S, P347S, P361S.
Identifiers: ClinVar variation 4681152 (VCV004681152.1).